The following is an entry in ClinVar:

ClinVar aggregate classification (germline): Likely pathogenic (0 of 4 stars; one submission).

Conditions:
Polycystic kidney disease 2 (PKD2). Also called: POLYCYSTIC KIDNEY DISEASE, ADULT, TYPE II; POLYCYSTIC KIDNEY DISEASE 2 WITH OR WITHOUT POLYCYSTIC LIVER DISEASE; Polycystic Kidney Disease 2, Autosomal Dominant. Identifiers: MedGen C2751306, MONDO:0013131, OMIM 613095.

Submission:

Fulgent Genetics
Classification: Likely pathogenic for Polycystic kidney disease 2. Review status: no assertion criteria provided. Collection method: clinical testing. Allele origin: unknown.
Comment: This variant has been detected in individual(s) who were sent for testing of Renasight - kidney gene panel.

GRCh37/hg19 4q22.1(chr4:88973122-88979275)

Gene: PKD2 (polycystin 2, transient receptor potential cation channel; plus strand). Cytogenetic location: 4q22.1.
Variant type: copy number loss.
Identifiers: ClinVar variation 1179168 (VCV001179168.2).